The following is an entry in ClinVar:

ClinVar aggregate classification (germline): Uncertain significance (1 of 4 stars; one submission).

Conditions:
Combined immunodeficiency due to ZAP70 deficiency (IMD48). Also called: ZAP70 Deficiency; Immunodeficiency 48. Identifiers: Orphanet 911, MedGen C2931299, MONDO:0010023, OMIM 269840.

Submission:

Labcorp Genetics (formerly Invitae), Labcorp
Classification: Uncertain significance for Combined immunodeficiency due to ZAP70 deficiency. Last evaluated: 2024-02-24. Review status: criteria provided, single submitter. Criteria: Invitae Variant Classification Sherloc (09022015). Collection method: clinical testing. Allele origin: germline.
Comment: This sequence change replaces arginine, which is basic and polar, with serine, which is neutral and polar, at codon 37 of the ZAP70 protein (p.Arg37Ser). This variant is not present in population databases (gnomAD no frequency). This variant has not been reported in the literature in individuals affected with ZAP70-related conditions. ClinVar contains an entry for this variant (Variation ID: 2099754). An algorithm developed to predict the effect of missense changes on protein structure and function (PolyPhen-2) suggests that this variant is likely to be disruptive. In summary, the available evidence is currently insufficient to determine the role of this variant in disease. Therefore, it has been classified as a Variant of Uncertain Significance.

NM_001079.4(ZAP70):c.109C>A (p.Arg37Ser)

Gene: ZAP70 (zeta chain of T cell receptor associated protein kinase 70; plus strand). Cytogenetic location: 2q11.2.
Variant type: single nucleotide variant.
Coding change: c.109C>A on transcript NM_001079.4 (MANE Select); coding-DNA position 109, C replaced by A.
Protein change: p.Arg37Ser; replaces arginine 37 with serine.
Molecular consequence: missense variant.
Genome position (GRCh38, 1-based): chr2:97,724,145, C>A. VCF-style: chr2-97724145-C-A. GRCh37 (hg19) VCF-style: chr2-98340608-C-A.
Other names: c.109C>A, p.Arg37Ser (NM_001378594.1); short protein forms R37S.
Identifiers: ClinVar variation 2099754 (VCV002099754.4), dbSNP rs1573261820, ClinGen allele CA347788125.
Genomic context (GRCh38, chr2:97,724,145, plus strand): 5'-CGTGCCGAGGCCGAGGAGCACCTGAAGCTGGCGGGCATGGCGGACGGGCTCTTCCTGCTG[C>A]GCCAGTGCCTGCGCTCGCTGGGCGGCTATGTGCTGTCGCTCGTGCACGATGTGCGCTTCC-3'
Protein context (NP_001070.2, residues 27-47): AGMADGLFLL[Arg37Ser]QCLRSLGGYV